The following is an entry in ClinVar:

NM_182961.4(SYNE1):c.19122G>T (p.Arg6374Ser)

Gene: SYNE1 (spectrin repeat containing nuclear envelope protein 1; minus strand). Cytogenetic location: 6q25.2.
Variant type: single nucleotide variant.
Coding change: c.19122G>T on transcript NM_182961.4 (MANE Select); coding-DNA position 19122, G replaced by T.
Protein change: p.Arg6374Ser; replaces arginine 6374 with serine.
Molecular consequence: missense variant.
Genome position (GRCh38, 1-based): chr6:152,255,729, C>A on the plus strand (G>T on the coding strand, the complement: SYNE1 is on the minus strand). VCF-style: chr6-152255729-C-A. GRCh37 (hg19) VCF-style: chr6-152576864-C-A.
Other names: c.18909G>T, p.Arg6303Ser (NM_033071.5); short protein forms R6303S, R6374S.
Identifiers: ClinVar variation 2148173 (VCV002148173.4), dbSNP rs370607237, ClinGen allele CA150202497.

ClinVar aggregate classification (germline): Uncertain significance (1 of 4 stars; one submission).

Conditions:
Autosomal recessive ataxia, Beauce type. Also called: SYNE1-Related Autosomal Recessive Cerebellar Ataxia; Spinocerebellar ataxia, autosomal recessive 8; ATAXIA, RECESSIVE, OF BEAUCE; SYNE1 Deficiency. Identifiers: Orphanet 88644, MedGen C1853116, MONDO:0012549, OMIM 610743.
Emery-Dreifuss muscular dystrophy 4, autosomal dominant (EDMD4). Also called: EMERY-DREIFUSS MUSCULAR DYSTROPHY 4 WITH VARIABLE FEATURES. Identifiers: Orphanet 261, MedGen C2751807, MONDO:0013071, OMIM 612998.

Submission:

Labcorp Genetics (formerly Invitae), Labcorp
Classification: Uncertain significance for Emery-Dreifuss muscular dystrophy 4, autosomal dominant; Autosomal recessive ataxia, Beauce type. Last evaluated: 2022-06-07. Review status: criteria provided, single submitter. Criteria: Invitae Variant Classification Sherloc (09022015). Collection method: clinical testing. Allele origin: germline.
Comment: This sequence change replaces arginine, which is basic and polar, with serine, which is neutral and polar, at codon 6303 of the SYNE1 protein (p.Arg6303Ser). This variant is not present in population databases (gnomAD no frequency). This variant has not been reported in the literature in individuals affected with SYNE1-related conditions. Algorithms developed to predict the effect of missense changes on protein structure and function (SIFT, PolyPhen-2, Align-GVGD) all suggest that this variant is likely to be tolerated. In summary, the available evidence is currently insufficient to determine the role of this variant in disease. Therefore, it has been classified as a Variant of Uncertain Significance.